The following is an entry in ClinVar:

NM_032043.3(BRIP1):c.2525T>C (p.Leu842Pro)

Gene: BRIP1 (BRCA1 interacting DNA helicase 1; minus strand). Cytogenetic location: 17q23.2.
Variant type: single nucleotide variant.
Coding change: c.2525T>C on transcript NM_032043.3 (MANE Select); coding-DNA position 2525, T replaced by C.
Protein change: p.Leu842Pro; replaces leucine 842 with proline.
Molecular consequence: missense variant.
Genome position (GRCh38, 1-based): chr17:61,693,480, A>G on the plus strand (T>C on the coding strand, the complement: BRIP1 is on the minus strand). VCF-style: chr17-61693480-A-G. GRCh37 (hg19) VCF-style: chr17-59770841-A-G.
Other names: short protein forms L842P.
Identifiers: ClinVar variation 407826 (VCV000407826.17), dbSNP rs1060501751, ClinGen allele CA16615830.

ClinVar aggregate classification (germline): Uncertain significance. Review status: criteria provided, multiple submitters, no conflicts (2 of 4 stars). 4 submissions from 4 submitters: Uncertain significance (4). Last evaluated 2022-01-22.

Conditions:
Hereditary cancer-predisposing syndrome. Also called: Hereditary neoplastic syndrome; Neoplastic Syndromes, Hereditary; Tumor predisposition; Hereditary Cancer Syndrome. Identifiers: Orphanet 140162, MedGen C0027672, MeSH D009386, MONDO:0015356.
Familial cancer of breast. Also called: Hereditary breast cancer; hereditary breast carcinoma; BREAST CANCER, FAMILIAL. Identifiers: Orphanet 227535, MedGen C0346153, MONDO:0016419, OMIM 114480. Disease mechanism: loss of function.
Fanconi anemia complementation group J. Also called: BRIP1-Related Fanconi Anemia. Identifiers: Orphanet 84, MedGen C1836860, MONDO:0012187, OMIM 609054.

Submissions (4):

Labcorp Genetics (formerly Invitae), Labcorp
Classification: Uncertain significance for Familial cancer of breast; Fanconi anemia complementation group J. Last evaluated: 2022-01-22. Review status: criteria provided, single submitter. Criteria: Invitae Variant Classification Sherloc (09022015). Collection method: clinical testing. Allele origin: germline.
Comment: This sequence change replaces leucine, which is neutral and non-polar, with proline, which is neutral and non-polar, at codon 842 of the BRIP1 protein (p.Leu842Pro). This variant is not present in population databases (gnomAD no frequency). This variant has not been reported in the literature in individuals affected with BRIP1-related conditions. ClinVar contains an entry for this variant (Variation ID: 407826). Algorithms developed to predict the effect of missense changes on protein structure and function (SIFT, PolyPhen-2, Align-GVGD) all suggest that this variant is likely to be disruptive. In summary, the available evidence is currently insufficient to determine the role of this variant in disease. Therefore, it has been classified as a Variant of Uncertain Significance.

GeneDx
Classification: Uncertain significance. Last evaluated: 2019-08-26. Review status: criteria provided, single submitter. Criteria: GeneDx Variant Classification Process June 2021. Collection method: clinical testing. Allele origin: germline. Affected: yes.
Comment: Not observed in large population cohorts (Lek 2016); In silico analysis, which includes protein predictors and evolutionary conservation, supports a deleterious effect; Has not been previously published as pathogenic or benign to our knowledge

Ambry Genetics
Classification: Uncertain significance for Hereditary cancer-predisposing syndrome. Last evaluated: 2019-05-02. Review status: criteria provided, single submitter. Criteria: Ambry Variant Classification Scheme 2023. Collection method: clinical testing. Allele origin: germline.
Comment: The p.L842P variant (also known as c.2525T>C), located in coding exon 17 of the BRIP1 gene, results from a T to C substitution at nucleotide position 2525. The leucine at codon 842 is replaced by proline, an amino acid with similar properties. This amino acid position is highly conserved in available vertebrate species. In addition, this alteration is predicted to be deleterious by in silico analysis. Since supporting evidence is limited at this time, the clinical significance of this alteration remains unclear.

Color Diagnostics, LLC DBA Color Health
Classification: Uncertain significance for Hereditary cancer-predisposing syndrome. Last evaluated: 2019-04-23. Review status: criteria provided, single submitter. Criteria: ACMG Guidelines, 2015. Collection method: clinical testing. Allele origin: germline.